The following is an entry in ClinVar:

NM_007186.6(CEP250):c.4298G>C (p.Arg1433Thr)

Gene: CEP250 (centrosomal protein 250; plus strand). Cytogenetic location: 20q11.22.
Variant type: single nucleotide variant.
Coding change: c.4298G>C on transcript NM_007186.6 (MANE Select); coding-DNA position 4298, G replaced by C.
Protein change: p.Arg1433Thr; replaces arginine 1433 with threonine.
Molecular consequence: missense variant.
Genome position (GRCh38, 1-based): chr20:35,502,667, G>C. VCF-style: chr20-35502667-G-C. GRCh37 (hg19) VCF-style: chr20-34090495-G-C.
Other names: c.2402G>C, p.Arg801Thr (NM_001318219.1); short protein forms R1433T, R801T.
Identifiers: ClinVar variation 1442538 (VCV001442538.6), dbSNP rs907049229, ClinGen allele CA314159713.

ClinVar aggregate classification (germline): Uncertain significance (1 of 4 stars; one submission).

Allele frequency attached by ClinVar (database versions not stated): TOPMed below 0.00001.

Submission:

Labcorp Genetics (formerly Invitae), Labcorp
Classification: Uncertain significance. Last evaluated: 2024-10-21. Review status: criteria provided, single submitter. Criteria: Invitae Variant Classification Sherloc (09022015). Collection method: clinical testing. Allele origin: germline.
Comment: This sequence change replaces arginine with threonine at codon 1433 of the CEP250 protein (p.Arg1433Thr). The arginine residue is moderately conserved and there is a moderate physicochemical difference between arginine and threonine. This variant is not present in population databases (gnomAD no frequency). This variant has not been reported in the literature in individuals affected with CEP250-related conditions. ClinVar contains an entry for this variant (Variation ID: 1442538). An algorithm developed to predict the effect of missense changes on protein structure and function (PolyPhen-2) suggests that this variant is likely to be disruptive. In summary, the available evidence is currently insufficient to determine the role of this variant in disease. Therefore, it has been classified as a Variant of Uncertain Significance.